The following is an entry in ClinVar:

ClinVar aggregate classification (germline): Uncertain significance. Review status: criteria provided, multiple submitters, no conflicts (2 of 4 stars). 3 submissions from 3 submitters: Uncertain significance (3). Last evaluated 2025-12-08.

Conditions:
Cardiovascular phenotype. Identifiers: MedGen CN230736.
RASopathy. Also called: rasopathies; Noonan spectrum disorder. Identifiers: Orphanet 536391, MedGen C5555857, MONDO:0021060.

Allele frequency attached by ClinVar (database versions not stated): gnomAD exomes below 0.00001; TOPMed 0.00001; gnomAD 0.00001.
gnomAD v4.1: 6 of 1,575,948 alleles (0.00038%); highest among the groups gnomAD compares: East Asian, 0.0023%; no homozygotes.

Submissions (3):

Labcorp Genetics (formerly Invitae), Labcorp
Classification: Uncertain significance for RASopathy. Last evaluated: 2025-12-08. Review status: criteria provided, single submitter. Criteria: Invitae Variant Classification Sherloc (09022015). Collection method: clinical testing. Allele origin: germline.
Comment: This sequence change replaces serine, which is neutral and polar, with leucine, which is neutral and non-polar, at codon 20 of the CBL protein (p.Ser20Leu). This variant is not present in population databases (gnomAD no frequency). This variant has not been reported in the literature in individuals affected with CBL-related conditions. ClinVar contains an entry for this variant (Variation ID: 2525642). Invitae Evidence Modeling of protein sequence and biophysical properties (such as structural, functional, and spatial information, amino acid conservation, physicochemical variation, residue mobility, and thermodynamic stability) indicates that this missense variant is not expected to disrupt CBL protein function with a negative predictive value of 95%. In summary, the available evidence is currently insufficient to determine the role of this variant in disease. Therefore, it has been classified as a Variant of Uncertain Significance.

GeneDx
Classification: Uncertain significance. Last evaluated: 2025-07-02. Review status: criteria provided, single submitter. Criteria: GeneDx Variant Classification Process June 2021. Collection method: clinical testing. Allele origin: germline. Affected: yes.
Comment: Not observed at significant frequency in large population cohorts (gnomAD); In silico analysis suggests that this missense variant does not alter protein structure/function; Has not been previously published as pathogenic or benign to our knowledge; This variant is associated with the following publications: (PMID: 18034775)

Ambry Genetics
Classification: Uncertain significance for Cardiovascular phenotype. Last evaluated: 2024-11-24. Review status: criteria provided, single submitter. Criteria: Ambry Variant Classification Scheme 2023. Collection method: clinical testing. Allele origin: germline.
Comment: The p.S20L variant (also known as c.59C>T), located in coding exon 1 of the CBL gene, results from a C to T substitution at nucleotide position 59. The serine at codon 20 is replaced by leucine, an amino acid with dissimilar properties. This amino acid position is conserved. In addition, this alteration is predicted to be tolerated by in silico analysis. Based on the available evidence, the clinical significance of this variant remains unclear.

NM_005188.4(CBL):c.59C>T (p.Ser20Leu)

Genes: CBL (Cbl proto-oncogene; plus strand), LOC130006895 (ATAC-STARR-seq lymphoblastoid silent region 3975; plus strand). Cytogenetic location: 11q23.3.
Variant type: single nucleotide variant.
Coding change: c.59C>T on transcript NM_005188.4 (MANE Select); coding-DNA position 59, C replaced by T.
Protein change: p.Ser20Leu; replaces serine 20 with leucine.
Molecular consequence: missense variant.
Genome position (GRCh38, 1-based): chr11:119,206,476, C>T. VCF-style: chr11-119206476-C-T. GRCh37 (hg19) VCF-style: chr11-119077186-C-T.
Other names: short protein forms S20L.
Identifiers: ClinVar variation 2525642 (VCV002525642.7), dbSNP rs750572996, ClinGen allele CA6318220.